The following is an entry in ClinVar:

ClinVar aggregate classification (germline): Uncertain significance (1 of 4 stars; one submission).

Conditions:
Bethlem myopathy 1A. Also called: Bethlem myopathy 1; Bethlem Muscular Dystrophy; MYOPATHY, BENIGN CONGENITAL, WITH CONTRACTURES. Identifiers: Orphanet 610, MedGen CN029274, MONDO:0024530, OMIM 158810.

gnomAD v4.1: 1 of 1,613,988 alleles (0.000062%); highest among the groups gnomAD compares: Non-Finnish European, 0.000085%; no homozygotes.

Submission:

Labcorp Genetics (formerly Invitae), Labcorp
Classification: Uncertain significance for Bethlem myopathy 1A. Last evaluated: 2025-10-14. Review status: criteria provided, single submitter. Criteria: Invitae Variant Classification Sherloc (09022015). Collection method: clinical testing. Allele origin: germline.
Comment: This sequence change falls in intron 4 of the COL6A3 gene. It does not directly change the encoded amino acid sequence of the COL6A3 protein. It affects a nucleotide within the consensus splice site. This variant is not present in population databases (gnomAD no frequency). This variant has not been reported in the literature in individuals affected with COL6A3-related conditions. Variants that disrupt the consensus splice site are a relatively common cause of aberrant splicing (PMID: 17576681, 9536098). Algorithms developed to predict the effect of sequence changes on RNA splicing suggest that this variant is not likely to affect RNA splicing. In summary, the available evidence is currently insufficient to determine the role of this variant in disease. Therefore, it has been classified as a Variant of Uncertain Significance.

Literature cited by the submitters: PubMed 17576681; PubMed 9536098.

NM_004369.4(COL6A3):c.1312+5G>A

Gene: COL6A3 (collagen type VI alpha 3 chain; minus strand). Cytogenetic location: 2q37.3.
Variant type: single nucleotide variant.
Coding change: c.1312+5G>A on transcript NM_004369.4 (MANE Select); 5 bases into the intron after coding-DNA position 1312, G replaced by A.
Molecular consequence: intron variant.
Genome position (GRCh38, 1-based): chr2:237,387,577, C>T on the plus strand (G>A on the coding strand, the complement: COL6A3 is on the minus strand). VCF-style: chr2-237387577-C-T. GRCh37 (hg19) VCF-style: chr2-238296220-C-T.
Other names: c.92-6078G>A (NM_057166.5, NM_057164.5); c.694+5G>A (NM_057167.4, NM_057165.5).
Identifiers: ClinVar variation 4768025 (VCV004768025.1).